The following is an entry in ClinVar:

ClinVar aggregate classification (germline): Pathogenic (1 of 4 stars; one submission).

Submission:

Labcorp Genetics (formerly Invitae), Labcorp
Classification: Pathogenic. Last evaluated: 2020-11-15. Review status: criteria provided, single submitter. Criteria: Invitae Variant Classification Sherloc (09022015). Collection method: clinical testing. Allele origin: germline.
Comment: This sequence change creates a premature translational stop signal (p.Phe482Ilefs*16) in the CERKL gene. It is expected to result in an absent or disrupted protein product. Loss-of-function variants in CERKL are known to be pathogenic (PMID: 14681825, 24043777). This variant is not present in population databases (ExAC no frequency). This variant has not been reported in the literature in individuals with CERKL-related conditions. For these reasons, this variant has been classified as Pathogenic.

Literature cited by the submitters: PubMed 14681825; PubMed 24043777.

NM_201548.5(CERKL):c.1360_1364dup (p.Phe456fs)

Gene: CERKL (CERK like autophagy regulator; minus strand). Cytogenetic location: 2q31.3.
Variant type: Duplication.
Coding change: c.1360_1364dup on transcript NM_201548.5 (MANE Select); coding-DNA positions 1360 to 1364, 5 bases duplicated (AATCA; older notation c.1360_1364dupAATCA).
Protein change: p.Phe456fs; shifts the reading frame from phenylalanine 456.
Molecular consequence: frameshift variant. On other transcripts: non-coding transcript variant (2).
Genome position (GRCh38, 1-based): chr2:181,544,701-181,544,705, TGATT duplicated on the plus strand (AATCA on the coding strand, the reverse complement: CERKL is on the minus strand); duplicating any 5 consecutive bases within chr2:181,544,701-181,544,706 gives the same sequence; the c. name uses the placement nearest the transcript's 3' end. VCF-style (leftmost placement, unchanged base first): chr2-181544700-C-CTGATT. GRCh37 (hg19) VCF-style: chr2-182409427-C-CTGATT.
Other names: c.1438_1442dup, p.Phe482fs (NM_001030311.3); c.1021_1025dup, p.Phe343fs (NM_001030312.3); c.1153_1157dup, p.Phe387fs (NM_001030313.3); c.1306_1310dup, p.Phe438fs (NM_001160277.2); short protein forms F387fs, F438fs, F482fs, F343fs, F456fs.
Identifiers: ClinVar variation 1457069 (VCV001457069.6), dbSNP rs2105797148, ClinGen allele CA2573134033.